The following is an entry in ClinVar:

NM_012470.4(TNPO3):c.1585G>C (p.Val529Leu)

Gene: TNPO3 (transportin 3; minus strand). Cytogenetic location: 7q32.1.
Variant type: single nucleotide variant.
Coding change: c.1585G>C on transcript NM_012470.4 (MANE Select); coding-DNA position 1585, G replaced by C.
Protein change: p.Val529Leu; replaces valine 529 with leucine.
Molecular consequence: missense variant. On other transcripts: non-coding transcript variant (18), intron variant (2).
Genome position (GRCh38, 1-based): chr7:128,986,834, C>G on the plus strand (G>C on the coding strand, the complement: TNPO3 is on the minus strand). VCF-style: chr7-128986834-C-G. GRCh37 (hg19) VCF-style: chr7-128626888-C-G.
Other names: c.1687G>C, p.Val563Leu (NM_001382216.1); c.1666G>C, p.Val556Leu (NM_001382217.1); c.1585G>C, p.Val529Leu (NM_001382218.1, NM_001382220.1); c.1477G>C, p.Val493Leu (NM_001382219.1); c.1441G>C, p.Val481Leu (NM_001382221.1); c.1438G>C, p.Val480Leu (NM_001382222.1); c.1499-2575G>C (NM_001382223.1, NM_001191028.3); c.1585G>C (NM_012470.3); short protein forms V480L, V481L, V529L, V493L, V556L, V563L.
Identifiers: ClinVar variation 1047254 (VCV001047254.12), dbSNP rs750192462, ClinGen allele CA4478102.

ClinVar aggregate classification (germline): Uncertain significance. Review status: criteria provided, multiple submitters, no conflicts (2 of 4 stars). 3 submissions from 3 submitters: Uncertain significance (3). Last evaluated 2024-09-11.

Conditions:
Autosomal dominant limb-girdle muscular dystrophy type 1F (LGMDD2). Also called: Limb-girdle muscular dystrophy, type 1F; MUSCULAR DYSTROPHY, LIMB-GIRDLE, AUTOSOMAL DOMINANT 2. Identifiers: Orphanet 55595, MedGen C1842062, MONDO:0012034, OMIM 608423.

Allele frequency attached by ClinVar (database versions not stated): TOPMed below 0.00001; gnomAD 0.00001; gnomAD exomes 0.00001; ExAC 0.00002.
gnomAD v4.1: 11 of 1,613,958 alleles (0.00068%); highest among the groups gnomAD compares: Non-Finnish European, 0.00093%; no homozygotes.

Submissions (3):

Blueprint Genetics
Classification: Uncertain significance. Last evaluated: 2024-09-11. Review status: criteria provided, single submitter. Criteria: ACMG Guidelines, 2015. Collection method: clinical testing. Allele origin: germline.

Labcorp Genetics (formerly Invitae), Labcorp
Classification: Uncertain significance for Autosomal dominant limb-girdle muscular dystrophy type 1F. Last evaluated: 2023-09-05. Review status: criteria provided, single submitter. Criteria: Invitae Variant Classification Sherloc (09022015). Collection method: clinical testing. Allele origin: germline.
Comment: ClinVar contains an entry for this variant (Variation ID: 1047254). This variant has not been reported in the literature in individuals affected with TNPO3-related conditions. This variant is present in population databases (rs750192462, gnomAD 0.002%). This sequence change replaces valine, which is neutral and non-polar, with leucine, which is neutral and non-polar, at codon 529 of the TNPO3 protein (p.Val529Leu). In summary, the available evidence is currently insufficient to determine the role of this variant in disease. Therefore, it has been classified as a Variant of Uncertain Significance. Advanced modeling of protein sequence and biophysical properties (such as structural, functional, and spatial information, amino acid conservation, physicochemical variation, residue mobility, and thermodynamic stability) performed at Invitae indicates that this missense variant is not expected to disrupt TNPO3 protein function.

Revvity Omics, Revvity
Classification: Uncertain significance for Autosomal dominant limb-girdle muscular dystrophy type 1F. Last evaluated: 2020-07-24. Review status: criteria provided, single submitter. Criteria: ACMG Guidelines, 2015. Collection method: clinical testing. Allele origin: germline.